The following is an entry in ClinVar:

ClinVar aggregate classification (germline): Uncertain significance. Review status: criteria provided, multiple submitters, no conflicts (2 of 4 stars). 2 submissions from 2 submitters: Uncertain significance (2). Last evaluated 2025-08-30.

Conditions:
Cornelia de Lange syndrome 1 (CDLS1). Also called: TYPUS DEGENERATIVUS AMSTELODAMENSIS; Brachmann de Lange syndrome; NIPBL-Related Cornelia de Lange Syndrome. Identifiers: Orphanet 199, MedGen C4551851, MONDO:0007387, OMIM 122470.

gnomAD v4.1: 2 of 1,614,020 alleles (0.00012%); highest among the groups gnomAD compares: Admixed American, 0.0017%; no homozygotes.

Submissions (2):

Labcorp Genetics (formerly Invitae), Labcorp
Classification: Uncertain significance for Cornelia de Lange syndrome 1. Last evaluated: 2025-08-30. Review status: criteria provided, single submitter. Criteria: Invitae Variant Classification Sherloc (09022015). Collection method: clinical testing. Allele origin: germline.
Comment: This sequence change replaces lysine, which is basic and polar, with arginine, which is basic and polar, at codon 938 of the NIPBL protein (p.Lys938Arg). This variant is present in population databases (no rsID available, gnomAD 0.003%). This variant has not been reported in the literature in individuals affected with NIPBL-related conditions. ClinVar contains an entry for this variant (Variation ID: 3592270). Invitae Evidence Modeling of protein sequence and biophysical properties (such as structural, functional, and spatial information, amino acid conservation, physicochemical variation, residue mobility, and thermodynamic stability) has been performed for this missense variant. However, the output from this modeling did not meet the statistical confidence thresholds required to predict the impact of this variant on NIPBL protein function. In summary, the available evidence is currently insufficient to determine the role of this variant in disease. Therefore, it has been classified as a Variant of Uncertain Significance.

Fulgent Genetics
Classification: Uncertain significance for Cornelia de Lange syndrome 1. Last evaluated: 2024-06-09. Review status: criteria provided, single submitter. Criteria: ACMG Guidelines, 2015. Collection method: clinical testing. Allele origin: germline.

NM_133433.4(NIPBL):c.2813A>G (p.Lys938Arg)

Gene: NIPBL (NIPBL cohesin loading factor; plus strand). Cytogenetic location: 5p13.2.
Variant type: single nucleotide variant.
Coding change: c.2813A>G on transcript NM_133433.4 (MANE Select); coding-DNA position 2813, A replaced by G.
Protein change: p.Lys938Arg; replaces lysine 938 with arginine.
Molecular consequence: missense variant.
Genome position (GRCh38, 1-based): chr5:36,985,993, A>G. VCF-style: chr5-36985993-A-G. GRCh37 (hg19) VCF-style: chr5-36986095-A-G.
Other names: c.2813A>G, p.Lys938Arg (NM_015384.5); short protein forms K938R.
Identifiers: ClinVar variation 3592270 (VCV003592270.2).